The following is an entry in ClinVar:

NM_020738.4(KIDINS220):c.2086A>G (p.Ile696Val)

Gene: KIDINS220 (kinase D interacting substrate 220; minus strand). Cytogenetic location: 2p25.1.
Variant type: single nucleotide variant.
Coding change: c.2086A>G on transcript NM_020738.4 (MANE Select); coding-DNA position 2086, A replaced by G.
Protein change: p.Ile696Val; replaces isoleucine 696 with valine.
Molecular consequence: missense variant. On other transcripts: non-coding transcript variant (2).
Genome position (GRCh38, 1-based): chr2:8,785,884, T>C on the plus strand (A>G on the coding strand, the complement: KIDINS220 is on the minus strand). VCF-style: chr2-8785884-T-C. GRCh37 (hg19) VCF-style: chr2-8926014-T-C.
Other names: c.2089A>G, p.Ile697Val (NM_001348729.2, NM_001348731.2, NM_001348734.2 and 3 more transcripts); c.2086A>G, p.Ile696Val (NM_001348732.2, NM_001348735.2, NM_001348738.2 and 3 more transcripts); c.1960A>G, p.Ile654Val (NM_001348736.2); c.2086A>G (NM_020738.2); short protein forms I654V, I696V, I697V.
Identifiers: ClinVar variation 2084845 (VCV002084845.6), dbSNP rs771185778, ClinGen allele CA1520048.

ClinVar aggregate classification (germline): Uncertain significance. Review status: criteria provided, multiple submitters, no conflicts (2 of 4 stars). 2 submissions from 2 submitters: Uncertain significance (2). Last evaluated 2026-03-04.

Conditions:
KIDINS220-related disorder. Also called: KIDINS220-related condition.

Allele frequency attached by ClinVar (database versions not stated): ExAC 0.00001; gnomAD 0.00001; TOPMed 0.00001.
gnomAD v4.1: 19 of 1,614,044 alleles (0.0012%); highest among the groups gnomAD compares: Non-Finnish European, 0.0015%; no homozygotes.

Submissions (2):

PreventionGenetics, part of Exact Sciences
Classification: Uncertain significance for KIDINS220-related condition. Last evaluated: 2026-03-04. Review status: criteria provided, single submitter. Criteria: ACMG Guidelines, 2015. Collection method: clinical testing. Allele origin: germline.
Comment: The KIDINS220 c.2086A>G variant is predicted to result in the amino acid substitution p.Ile696Val. This variant has been reported in the de novo state in an individual with developmental disorder (Turner et al. 2019. PubMed ID: 31785789. Table S2). This variant is reported in 0.0027% of alleles in individuals of European (Non-Finnish) descent in gnomAD. At this time, the clinical significance of this variant is uncertain due to the absence of conclusive functional and genetic evidence.

Labcorp Genetics (formerly Invitae), Labcorp
Classification: Uncertain significance. Last evaluated: 2023-08-03. Review status: criteria provided, single submitter. Criteria: Invitae Variant Classification Sherloc (09022015). Collection method: clinical testing. Allele origin: germline.
Comment: In summary, the available evidence is currently insufficient to determine the role of this variant in disease. Therefore, it has been classified as a Variant of Uncertain Significance. Algorithms developed to predict the effect of missense changes on protein structure and function output the following: SIFT: "Not Available"; PolyPhen-2: "Benign"; Align-GVGD: "Not Available". The valine amino acid residue is found in multiple mammalian species, which suggests that this missense change does not adversely affect protein function. ClinVar contains an entry for this variant (Variation ID: 2084845). This missense change has been observed in individual(s) with clinical features of KIDINS220-related conditions (PMID: 31785789). This variant is present in population databases (rs771185778, gnomAD 0.003%). This sequence change replaces isoleucine, which is neutral and non-polar, with valine, which is neutral and non-polar, at codon 696 of the KIDINS220 protein (p.Ile696Val).

Literature cited by the submitters: PubMed 31785789 (cited by Labcorp Genetics (formerly Invitae), Labcorp).